The following is an entry in ClinVar:

ClinVar aggregate classification (germline): Uncertain significance. Review status: criteria provided, multiple submitters, no conflicts (2 of 4 stars). 2 submissions from 2 submitters: Uncertain significance (2). Last evaluated 2024-10-01.

Conditions:
Tuberous sclerosis 2 (TSC2). Identifiers: Orphanet 805, MedGen C1860707, MONDO:0013199, OMIM 613254.
Lymphangiomyomatosis (LAM). Also called: Lymphangioleiomyomatosis; Lymphangioleiomyomatosis, somatic. Identifiers: Orphanet 538, MedGen C0751674, MONDO:0011705, OMIM 606690.
Isolated focal cortical dysplasia type II (FCORD2). Also called: Focal cortical dysplasia type II; CORTICAL DYSPLASIA OF TAYLOR. Identifiers: Orphanet 268994, MedGen C1846385, MONDO:0011818, OMIM 607341, HP:0032051.

Allele frequency attached by ClinVar (database versions not stated): TOPMed below 0.00001.

Submissions (2):

Labcorp Genetics (formerly Invitae), Labcorp
Classification: Uncertain significance for Tuberous sclerosis 2. Last evaluated: 2024-10-01. Review status: criteria provided, single submitter. Criteria: Invitae Variant Classification Sherloc (09022015). Collection method: clinical testing. Allele origin: germline.
Comment: This sequence change replaces glutamic acid, which is acidic and polar, with glycine, which is neutral and non-polar, at codon 141 of the TSC2 protein (p.Glu141Gly). This variant is not present in population databases (gnomAD no frequency). This variant has not been reported in the literature in individuals affected with TSC2-related conditions. ClinVar contains an entry for this variant (Variation ID: 1462284). Invitae Evidence Modeling of protein sequence and biophysical properties (such as structural, functional, and spatial information, amino acid conservation, physicochemical variation, residue mobility, and thermodynamic stability) indicates that this missense variant is not expected to disrupt TSC2 protein function with a negative predictive value of 95%. In summary, the available evidence is currently insufficient to determine the role of this variant in disease. Therefore, it has been classified as a Variant of Uncertain Significance.

Fulgent Genetics
Classification: Uncertain significance for Lymphangiomyomatosis; Isolated focal cortical dysplasia type II; Tuberous sclerosis 2. Last evaluated: 2024-02-25. Review status: criteria provided, single submitter. Criteria: ACMG Guidelines, 2015. Collection method: clinical testing. Allele origin: germline.

NM_000548.5(TSC2):c.422A>G (p.Glu141Gly)

Gene: TSC2 (TSC complex subunit 2; plus strand). Cytogenetic location: 16p13.3.
Variant type: single nucleotide variant.
Coding change: c.422A>G on transcript NM_000548.5 (MANE Select); coding-DNA position 422, A replaced by G.
Protein change: p.Glu141Gly; replaces glutamic acid 141 with glycine.
Molecular consequence: missense variant. On other transcripts: intron variant (1).
Genome position (GRCh38, 1-based): chr16:2,054,381, A>G. VCF-style: chr16-2054381-A-G. GRCh37 (hg19) VCF-style: chr16-2104382-A-G.
Other names: c.422A>G, p.Glu141Gly (NM_001077183.3, NM_001114382.3, NM_001363528.2 and 3 more transcripts); c.311A>G, p.Glu104Gly (NM_001318827.2); c.275A>G, p.Glu92Gly (NM_001318829.2); c.455A>G, p.Glu152Gly (NM_001318832.2); c.-1-1815A>G (NM_001318831.2); short protein forms E152G, E92G, E104G, E141G.
Identifiers: ClinVar variation 1462284 (VCV001462284.7), dbSNP rs1446616583, ClinGen allele CA394307216.